The following is an entry in ClinVar:

ClinVar aggregate classification (germline): Uncertain significance (1 of 4 stars; one submission).

gnomAD v4.1: 2 of 1,601,728 alleles (0.00012%); highest among the groups gnomAD compares: Admixed American, 0.0018%; no homozygotes.

Submission:

Labcorp Genetics (formerly Invitae), Labcorp
Classification: Uncertain significance. Last evaluated: 2024-05-25. Review status: criteria provided, single submitter. Criteria: Invitae Variant Classification Sherloc (09022015). Collection method: clinical testing. Allele origin: germline.
Comment: This sequence change replaces glycine, which is neutral and non-polar, with glutamic acid, which is acidic and polar, at codon 397 of the TBX6 protein (p.Gly397Glu). The frequency data for this variant in the population databases is considered unreliable, as metrics indicate poor data quality at this position in the gnomAD database. This variant has not been reported in the literature in individuals affected with TBX6-related conditions. Advanced modeling of protein sequence and biophysical properties (such as structural, functional, and spatial information, amino acid conservation, physicochemical variation, residue mobility, and thermodynamic stability) performed at Invitae indicates that this missense variant is not expected to disrupt TBX6 protein function with a negative predictive value of 80%. In summary, the available evidence is currently insufficient to determine the role of this variant in disease. Therefore, it has been classified as a Variant of Uncertain Significance.

NM_004608.4(TBX6):c.1190G>A (p.Gly397Glu)

Gene: TBX6 (T-box transcription factor 6; minus strand). Cytogenetic location: 16p11.2.
Variant type: single nucleotide variant.
Coding change: c.1190G>A on transcript NM_004608.4 (MANE Select); coding-DNA position 1190, G replaced by A.
Protein change: p.Gly397Glu; replaces glycine 397 with glutamic acid.
Molecular consequence: missense variant.
Genome position (GRCh38, 1-based): chr16:30,086,346, C>T on the plus strand (G>A on the coding strand, the complement: TBX6 is on the minus strand). VCF-style: chr16-30086346-C-T. GRCh37 (hg19) VCF-style: chr16-30097667-C-T.
Other names: short protein forms G397E.
Identifiers: ClinVar variation 3697538 (VCV003697538.2).